The following is an entry in ClinVar:

ClinVar aggregate classification (germline): Likely pathogenic (1 of 4 stars; one submission).

Conditions:
Arrhythmogenic right ventricular dysplasia 11. Also called: Arrhythmogenic Right Ventricular Dysplasia/Cardiomyopathy11; ARRHYTHMOGENIC RIGHT VENTRICULAR DYSPLASIA, FAMILIAL, 11; Arrhythmogenic right ventricular dysplasia 11 with mild palmoplantar keratoderma and woolly hair. Identifiers: MedGen C1864850, MONDO:0012506, OMIM 610476.

Allele frequency attached by ClinVar (database versions not stated): gnomAD exomes below 0.00001; ExAC 0.00001.
gnomAD v4.1: 1 of 1,613,284 alleles (0.000062%); highest among the groups gnomAD compares: South Asian, 0.0011%; no homozygotes.

Submission:

Department of Medical Bioinformatics, Sinopath Diagnosis
Classification: Likely pathogenic for Arrhythmogenic right ventricular dysplasia 11. Last evaluated: 2018-03-02. Review status: criteria provided, single submitter. Criteria: ACMG Guidelines, 2015. Collection method: clinical testing. Allele origin: germline. Inheritance: Autosomal recessive inheritance. Affected: yes.
Comment: We detected the variant in two unrelated patients with ARVD11: a compound heterozygote with c.743_748delAAGTAT, and a homozygote. This variant was not detected in about 7000 individuals without any related phenotype.

NM_024422.6(DSC2):c.749T>C (p.Phe250Ser)

Gene: DSC2 (desmocollin 2; minus strand). Cytogenetic location: 18q12.1.
Variant type: single nucleotide variant.
Coding change: c.749T>C on transcript NM_024422.6 (MANE Select); coding-DNA position 749, T replaced by C.
Protein change: p.Phe250Ser; replaces phenylalanine 250 with serine.
Molecular consequence: missense variant.
Genome position (GRCh38, 1-based): chr18:31,087,695, A>G on the plus strand (T>C on the coding strand, the complement: DSC2 is on the minus strand). VCF-style: chr18-31087695-A-G. GRCh37 (hg19) VCF-style: chr18-28667658-A-G.
Other names: c.749T>C, p.Phe250Ser (NM_004949.5); short protein forms F250S.
Identifiers: ClinVar variation 523128 (VCV000523128.3), dbSNP rs746173561, ClinGen allele CA8924795.